The following is an entry in ClinVar:

ClinVar aggregate classification (germline): Uncertain significance. Review status: criteria provided, multiple submitters, no conflicts (2 of 4 stars). 3 submissions from 3 submitters: Uncertain significance (2). 1 of the submissions does not count toward it. Last evaluated 2020-12-26.

Conditions:
Lysosomal acid lipase deficiency. Also called: Acid cholesteryl ester hydrolase deficiency, type 2. Identifiers: Orphanet 275761, MedGen C5574740, MONDO:0800449, MONDO:0010204.
Wolman disease (WOLD). Also called: Wolman disease, CESD; LYSOSOMAL ACID LIPASE DEFICIENCY, ACUTE INFANTILE; LYSOSOMAL ACID LIPASE DEFICIENCY, COMPLETE; LIPA DEFICIENCY, COMPLETE; LAL DEFICIENCY, COMPLETE; CHOLESTEROL ESTER HYDROLASE DEFICIENCY, COMPLETE. Identifiers: Orphanet 75233, MedGen C0043208, MONDO:0019148, OMIM 620151.

Allele frequency attached by ClinVar (database versions not stated): gnomAD exomes below 0.00001.
gnomAD v4.1: 1 of 1,614,136 alleles (0.000062%); highest among the groups gnomAD compares: Non-Finnish European, 0.000085%; no homozygotes.

Submissions (3):

Labcorp Genetics (formerly Invitae), Labcorp
Classification: Uncertain significance for Wolman disease. Last evaluated: 2020-12-26. Review status: criteria provided, single submitter. Criteria: Invitae Variant Classification Sherloc (09022015). Collection method: clinical testing. Allele origin: germline.
Comment: This variant is not present in population databases (ExAC no frequency). This sequence change replaces leucine with phenylalanine at codon 223 of the LIPA protein (p.Leu223Phe). The leucine residue is moderately conserved and there is a small physicochemical difference between leucine and phenylalanine. This variant has not been reported in the literature in individuals with LIPA-related conditions. ClinVar contains an entry for this variant (Variation ID: 880023). Algorithms developed to predict the effect of missense changes on protein structure and function output the following: SIFT: "Tolerated"; PolyPhen-2: "Benign"; Align-GVGD: "Class C0". The phenylalanine amino acid residue is found in multiple mammalian species, suggesting that this missense change does not adversely affect protein function. These predictions have not been confirmed by published functional studies and their clinical significance is uncertain. In summary, the available evidence is currently insufficient to determine the role of this variant in disease. Therefore, it has been classified as a Variant of Uncertain Significance.

Illumina Laboratory Services, Illumina
Classification: Uncertain significance for Cholesteryl ester storage disease. Last evaluated: 2018-01-12. Review status: criteria provided, single submitter. Criteria: ICSL Variant Classification Criteria 13 December 2019. Collection method: clinical testing. Allele origin: germline.

Natera, Inc.
Classification: Uncertain significance for Lysosomal acid lipase deficiency. Last evaluated: 2025-05-29. Review status: no assertion criteria provided. Collection method: clinical testing. Allele origin: germline. Not counted in ClinVar's aggregate classification.

NM_000235.4(LIPA):c.667C>T (p.Leu223Phe)

Gene: LIPA (lipase A, lysosomal acid type; minus strand). Cytogenetic location: 10q23.31.
Variant type: single nucleotide variant.
Coding change: c.667C>T on transcript NM_000235.4 (MANE Select); coding-DNA position 667, C replaced by T.
Protein change: p.Leu223Phe; replaces leucine 223 with phenylalanine.
Molecular consequence: missense variant.
Genome position (GRCh38, 1-based): chr10:89,225,100, G>A on the plus strand (C>T on the coding strand, the complement: LIPA is on the minus strand). VCF-style: chr10-89225100-G-A. GRCh37 (hg19) VCF-style: chr10-90984857-G-A.
Other names: c.667C>T (NM_000235.3); c.667C>T, p.Leu223Phe (NM_001127605.3); c.319C>T, p.Leu107Phe (NM_001288979.2); short protein forms L107F, L223F.
Identifiers: ClinVar variation 880023 (VCV000880023.13), dbSNP rs1161698310, ClinGen allele CA377517164.